The following is an entry in ClinVar:

ClinVar aggregate classification (germline): Uncertain significance (1 of 4 stars; one submission).

Conditions:
Rubinstein-Taybi syndrome due to EP300 haploinsufficiency. Also called: RUBINSTEIN-TAYBI SYNDROME 2; EP300-Related Rubinstein-Taybi Syndrome. Identifiers: Orphanet 353284, Orphanet 783, MedGen C3150941, MONDO:0013364, OMIM 613684.

Submission:

Labcorp Genetics (formerly Invitae), Labcorp
Classification: Uncertain significance for Rubinstein-Taybi syndrome due to EP300 haploinsufficiency. Last evaluated: 2023-11-27. Review status: criteria provided, single submitter. Criteria: Invitae Variant Classification Sherloc (09022015). Collection method: clinical testing. Allele origin: germline.
Comment: This sequence change replaces arginine, which is basic and polar, with histidine, which is basic and polar, at codon 1737 of the EP300 protein (p.Arg1737His). This variant is present in population databases (no rsID available, gnomAD 0.0009%). This variant has not been reported in the literature in individuals affected with EP300-related conditions. Advanced modeling of protein sequence and biophysical properties (such as structural, functional, and spatial information, amino acid conservation, physicochemical variation, residue mobility, and thermodynamic stability) performed at Invitae indicates that this missense variant is expected to disrupt EP300 protein function with a positive predictive value of 80%. In summary, the available evidence is currently insufficient to determine the role of this variant in disease. Therefore, it has been classified as a Variant of Uncertain Significance.

NM_001429.4(EP300):c.5210G>A (p.Arg1737His)

Gene: EP300 (EP300 lysine acetyltransferase; plus strand). Cytogenetic location: 22q13.2.
Variant type: single nucleotide variant.
Coding change: c.5210G>A on transcript NM_001429.4 (MANE Select); coding-DNA position 5210, G replaced by A.
Protein change: p.Arg1737His; replaces arginine 1737 with histidine.
Molecular consequence: missense variant.
Genome position (GRCh38, 1-based): chr22:41,176,921, G>A. VCF-style: chr22-41176921-G-A. GRCh37 (hg19) VCF-style: chr22-41572925-G-A.
Other names: c.5132G>A, p.Arg1711His (NM_001362843.2); short protein forms R1711H, R1737H.
Identifiers: ClinVar variation 2724250 (VCV002724250.3), dbSNP rs1389352663, ClinGen allele CA411708444.